The following is an entry in ClinVar:

ClinVar aggregate classification (germline): Uncertain significance (1 of 4 stars; one submission).

Conditions:
Tuberous sclerosis 1 (TSC1). Identifiers: Orphanet 805, MedGen C1854465, MONDO:0008612, OMIM 191100.

Submission:

Labcorp Genetics (formerly Invitae), Labcorp
Classification: Uncertain significance for Tuberous sclerosis 1. Last evaluated: 2025-11-24. Review status: criteria provided, single submitter. Criteria: Invitae Variant Classification Sherloc (09022015). Collection method: clinical testing. Allele origin: germline.
Comment: This sequence change replaces glutamine, which is neutral and polar, with glutamic acid, which is acidic and polar, at codon 898 of the TSC1 protein (p.Gln898Glu). This variant is not present in population databases (gnomAD no frequency). This variant has not been reported in the literature in individuals affected with TSC1-related conditions. Invitae Evidence Modeling of protein sequence and biophysical properties (such as structural, functional, and spatial information, amino acid conservation, physicochemical variation, residue mobility, and thermodynamic stability) indicates that this missense variant is not expected to disrupt TSC1 protein function with a negative predictive value of 95%. In summary, the available evidence is currently insufficient to determine the role of this variant in disease. Therefore, it has been classified as a Variant of Uncertain Significance.

NM_000368.5(TSC1):c.2692C>G (p.Gln898Glu)

Gene: TSC1 (TSC complex subunit 1; minus strand). Cytogenetic location: 9q34.13.
Variant type: single nucleotide variant.
Coding change: c.2692C>G on transcript NM_000368.5 (MANE Select); coding-DNA position 2692, C replaced by G.
Protein change: p.Gln898Glu; replaces glutamine 898 with glutamic acid.
Molecular consequence: missense variant. On other transcripts: non-coding transcript variant (5).
Genome position (GRCh38, 1-based): chr9:132,897,544, G>C on the plus strand (C>G on the coding strand, the complement: TSC1 is on the minus strand). VCF-style: chr9-132897544-G-C. GRCh37 (hg19) VCF-style: chr9-135772931-G-C.
Other names: c.2329C>G, p.Gln777Glu (NM_001406615.1, NM_001406616.1, NM_001406617.1 and 4 more transcripts); c.2326C>G, p.Gln776Glu (NM_001406620.1, NM_001406621.1, NM_001406622.1 and 1 more transcripts); c.2287C>G, p.Gln763Glu (NM_001406624.1); c.2650C>G, p.Gln884Glu (NM_001406606.1, NM_001406607.1, NM_001406605.1); c.2647C>G, p.Gln883Glu (NM_001406608.1, NM_001406609.1); c.2539C>G, p.Gln847Glu (NM_001406610.1, NM_001162427.2); c.2536C>G, p.Gln846Glu (NM_001406611.1, NM_001406612.1); c.2494C>G, p.Gln832Glu (NM_001406613.1); and 8 more; short protein forms Q777E, Q892E, Q580E, Q776E, Q883E, Q898E, Q763E, Q547E.
Identifiers: ClinVar variation 4709642 (VCV004709642.1).